The following is an entry in ClinVar:

ClinVar aggregate classification (germline): Pathogenic (1 of 4 stars; one submission).

Submission:

Labcorp Genetics (formerly Invitae), Labcorp
Classification: Pathogenic. Last evaluated: 2021-07-28. Review status: criteria provided, single submitter. Criteria: Invitae Variant Classification Sherloc (09022015). Collection method: clinical testing. Allele origin: germline.
Comment: For these reasons, this variant has been classified as Pathogenic. This variant has not been reported in the literature in individuals affected with CLTC-related conditions. This variant is not present in population databases (ExAC no frequency). This sequence change creates a premature translational stop signal (p.Leu947Phefs*29) in the CLTC gene. It is expected to result in an absent or disrupted protein product. Loss-of-function variants in CLTC are known to be pathogenic (PMID: 29100083).

Literature cited by the submitters: PubMed 29100083.

NM_004859.4(CLTC):c.2823_2824del (p.Leu943fs)

Gene: CLTC (clathrin heavy chain; plus strand). Cytogenetic location: 17q23.1.
Variant type: Deletion.
Coding change: c.2823_2824del on transcript NM_004859.4 (MANE Select); coding-DNA positions 2823 to 2824, 2 bases deleted (AA; older notation c.2823_2824delAA).
Protein change: p.Leu943fs; shifts the reading frame from leucine 943.
Molecular consequence: frameshift variant.
Genome position (GRCh38, 1-based): chr17:59,679,423-59,679,424, AA deleted; deleting any 2 consecutive bases within chr17:59,679,421-59,679,424 gives the same sequence; the c. name uses the placement nearest the transcript's 3' end. VCF-style (leftmost placement, unchanged base first): chr17-59679420-CAA-C. GRCh37 (hg19) VCF-style: chr17-57756781-CAA-C.
Other names: c.2835_2836del, p.Leu947fs (NM_001288653.2); short protein forms L947fs, L943fs.
Identifiers: ClinVar variation 1453643 (VCV001453643.6), dbSNP rs2143586491, ClinGen allele CA2573154430.